The following is an entry in ClinVar:

ClinVar aggregate classification (germline): Uncertain significance (1 of 4 stars; one submission).

gnomAD v4.1: 1 of 1,614,070 alleles (0.000062%); highest among the groups gnomAD compares: Admixed American, 0.0017%; no homozygotes.

Submission:

GeneDx
Classification: Uncertain significance. Last evaluated: 2018-06-20. Review status: criteria provided, single submitter. Criteria: GeneDx Variant Classification (06012015). Collection method: clinical testing. Allele origin: germline. Affected: yes.
Comment: This variant is denoted p.Ser209Ala (TCT>GCT): c.625 T>G in exon 2 of the MYPN gene (NM_032578.3). The S209A variant has not been published as a mutation or as a benign polymorphism to our knowledge. The S209A variant was not observed in approximately 6,500 individuals of European and African American ancestry in the NHLBI Exome Sequencing Project, indicating it is not a common benign variant in these populations. The S209A variant is a non-conservative amino acid substitution, which is likely to impact secondary protein structure as these residues differ in polarity, charge, size and/or other properties. This substitution occurs at a position that is conserved in most mammals. Nevertheless, in silico analysis predicts this variant likely does not alter the protein structure/function. Additionally, no missense mutations in nearby residues have been reported in association with cardiomyopathy, indicating this region of the protein may tolerate change. Therefore, based on the currently available information, it is unclear whether this variant is a pathogenic mutation or a rare benign variant. The variant is found in CARDIOMYOPATHY panel(s).

NM_032578.4(MYPN):c.625T>G (p.Ser209Ala)

Gene: MYPN (myopalladin; plus strand). Cytogenetic location: 10q21.3.
Variant type: single nucleotide variant.
Coding change: c.625T>G on transcript NM_032578.4 (MANE Select); coding-DNA position 625, T replaced by G.
Protein change: p.Ser209Ala; replaces serine 209 with alanine.
Molecular consequence: missense variant. On other transcripts: 5 prime UTR variant (1), non-coding transcript variant (1).
Genome position (GRCh38, 1-based): chr10:68,122,063, T>G. VCF-style: chr10-68122063-T-G. GRCh37 (hg19) VCF-style: chr10-69881820-T-G.
Other names: p.S209A:TCT>GCT; c.625T>G, p.Ser209Ala (NM_001256267.2); c.-498T>G (NM_001256268.2); short protein forms S209A.
Identifiers: ClinVar variation 201879 (VCV000201879.2), dbSNP rs794729071, ClinGen allele CA335286.